The following is an entry in ClinVar:

ClinVar aggregate classification (germline): Uncertain significance (1 of 4 stars; one submission).

Allele frequency attached by ClinVar (database versions not stated): ExAC 0.00001; gnomAD 0.00001; gnomAD exomes 0.00001; TOPMed 0.00002.
gnomAD v4.1: 11 of 1,603,868 alleles (0.00069%); highest among the groups gnomAD compares: East Asian, 0.0022%; no homozygotes.

Submission:

Labcorp Genetics (formerly Invitae), Labcorp
Classification: Uncertain significance. Last evaluated: 2023-11-06. Review status: criteria provided, single submitter. Criteria: Invitae Variant Classification Sherloc (09022015). Collection method: clinical testing. Allele origin: germline.
Comment: This sequence change replaces proline, which is neutral and non-polar, with arginine, which is basic and polar, at codon 420 of the CEP78 protein (p.Pro420Arg). This variant is present in population databases (rs767604405, gnomAD 0.006%). This variant has not been reported in the literature in individuals affected with CEP78-related conditions. ClinVar contains an entry for this variant (Variation ID: 1496547). Advanced modeling of protein sequence and biophysical properties (such as structural, functional, and spatial information, amino acid conservation, physicochemical variation, residue mobility, and thermodynamic stability) performed at Invitae indicates that this missense variant is not expected to disrupt CEP78 protein function with a negative predictive value of 80%. In summary, the available evidence is currently insufficient to determine the role of this variant in disease. Therefore, it has been classified as a Variant of Uncertain Significance.

NM_001330691.3(CEP78):c.1256C>G (p.Pro419Arg)

Gene: CEP78 (centrosomal protein 78; plus strand). Cytogenetic location: 9q21.2.
Variant type: single nucleotide variant.
Coding change: c.1256C>G on transcript NM_001330691.3 (MANE Select); coding-DNA position 1256, C replaced by G.
Protein change: p.Pro419Arg; replaces proline 419 with arginine.
Molecular consequence: missense variant.
Genome position (GRCh38, 1-based): chr9:78,254,840, C>G. VCF-style: chr9-78254840-C-G. GRCh37 (hg19) VCF-style: chr9-80869756-C-G.
Other names: c.1259C>G, p.Pro420Arg (NM_001098802.3, NM_001349839.2, NM_001349840.2 and 1 more transcripts); c.1256C>G, p.Pro419Arg (NM_001330693.3, NM_001330694.2, NM_001349838.2); short protein forms P419R, P420R.
Identifiers: ClinVar variation 1496547 (VCV001496547.8), dbSNP rs767604405, ClinGen allele CA5095208.
Genomic context (GRCh38, chr9:78,254,840, plus strand): 5'-TTTAGTATTTGGTATTCGGTTTATATTATTATACAATCTTGTCCTCTTTTTTTAAGCAAC[C>G]AGGTTTTCCTGTGACTGTGACAGTAGAGAGTCCTTCATCCTCTGAAGTTGAAGAGGTTGA-3'
Protein context (NP_001317620.1, residues 409-429): TRDICNQLQQ[Pro419Arg]GFPVTVTVES